The following is an entry in ClinVar:

NM_032444.4(SLX4):c.4996C>T (p.Arg1666Ter)

Gene: SLX4 (SLX4 structure-specific endonuclease subunit; minus strand). Cytogenetic location: 16p13.3.
Variant type: single nucleotide variant.
Coding change: c.4996C>T on transcript NM_032444.4 (MANE Select); coding-DNA position 4996, C replaced by T.
Protein change: p.Arg1666Ter; replaces arginine 1666 with a stop codon.
Molecular consequence: nonsense.
Genome position (GRCh38, 1-based): chr16:3,583,254, G>A on the plus strand (C>T on the coding strand, the complement: SLX4 is on the minus strand). VCF-style: chr16-3583254-G-A. GRCh37 (hg19) VCF-style: chr16-3633255-G-A.
Other names: c.4996C>T (LRG_503t1, NM_032444.3); short protein forms R1666*.
Identifiers: ClinVar variation 632251 (VCV000632251.11), dbSNP rs1291935778, ClinGen allele CA394514954.

ClinVar aggregate classification (germline): Pathogenic/Likely pathogenic. Review status: criteria provided, multiple submitters, no conflicts (2 of 4 stars). 3 submissions from 3 submitters: Pathogenic (1); Likely pathogenic (2). Last evaluated 2026-05-01.

Conditions:
SLX4-related disorder. Also called: SLX4-related condition.
Fanconi anemia (FA). Also called: Fanconi's anemia. Identifiers: Orphanet 84, MedGen C0015625, MeSH D005199, MONDO:0019391.

Allele frequency attached by ClinVar (database versions not stated): gnomAD 0.00001; TOPMed 0.00001; gnomAD exomes 0.00002.

Submissions (3):

PreventionGenetics, part of Exact Sciences
Classification: Likely pathogenic for SLX4-related condition. Last evaluated: 2026-05-01. Review status: criteria provided, single submitter. Criteria: ACMG Guidelines, 2015. Collection method: clinical testing. Allele origin: germline.
Comment: The SLX4 c.4996C>T variant is predicted to result in premature protein termination (p.Arg1666*). This variant has been reported in a patient with endometrial cancer (Zheng et al. 2024. PubMed ID: 39400928). This variant is reported in 0.016% of alleles in individuals of East Asian descent in gnomAD. Nonsense variants in SLX4 are expected to be pathogenic. This variant is interpreted as likely pathogenic.

Blueprint Genetics
Classification: Likely pathogenic for SLX4-related disorders. Last evaluated: 2024-09-03. Review status: criteria provided, single submitter. Criteria: ACMG Guidelines, 2015. Collection method: clinical testing. Allele origin: germline. Affected: yes. Observed: 3 variant alleles.

Labcorp Genetics (formerly Invitae), Labcorp
Classification: Pathogenic for Fanconi anemia. Last evaluated: 2022-04-28. Review status: criteria provided, single submitter. Criteria: Invitae Variant Classification Sherloc (09022015). Collection method: clinical testing. Allele origin: germline.
Comment: For these reasons, this variant has been classified as Pathogenic. ClinVar contains an entry for this variant (Variation ID: 632251). This variant has not been reported in the literature in individuals affected with SLX4-related conditions. This variant is present in population databases (no rsID available, gnomAD 0.02%). This sequence change creates a premature translational stop signal (p.Arg1666*) in the SLX4 gene. It is expected to result in an absent or disrupted protein product. Loss-of-function variants in SLX4 are known to be pathogenic (PMID: 21240277).

Literature cited by the submitters: PubMed 21240277 (cited by Labcorp Genetics (formerly Invitae), Labcorp).